The following is an entry in ClinVar:

NM_005228.5(EGFR):c.1612A>G (p.Lys538Glu)

Gene: EGFR (epidermal growth factor receptor; plus strand). Cytogenetic location: 7p11.2.
Variant type: single nucleotide variant.
Coding change: c.1612A>G on transcript NM_005228.5 (MANE Select); coding-DNA position 1612, A replaced by G.
Protein change: p.Lys538Glu; replaces lysine 538 with glutamic acid.
Molecular consequence: missense variant.
Genome position (GRCh38, 1-based): chr7:55,161,612, A>G. VCF-style: chr7-55161612-A-G. GRCh37 (hg19) VCF-style: chr7-55229305-A-G.
Other names: c.1477A>G, p.Lys493Glu (NM_001346897.2, NM_001346899.2); c.1612A>G, p.Lys538Glu (NM_001346898.2, NM_201282.2, NM_201284.2); c.1453A>G, p.Lys485Glu (NM_001346900.2); c.811A>G, p.Lys271Glu (NM_001346941.2); short protein forms K271E, K485E, K493E, K538E.
Identifiers: ClinVar variation 1415641 (VCV001415641.8), dbSNP rs2128943022, ClinGen allele CA367580002.

ClinVar aggregate classification (germline): Uncertain significance (1 of 4 stars; one submission).

Conditions:
EGFR-related lung cancer (EGFR). Identifiers: MedGen CN130014.

Submission:

Labcorp Genetics (formerly Invitae), Labcorp
Classification: Uncertain significance for EGFR-related lung cancer. Last evaluated: 2025-07-09. Review status: criteria provided, single submitter. Criteria: Invitae Variant Classification Sherloc (09022015). Collection method: clinical testing. Allele origin: germline.
Comment: This sequence change replaces lysine, which is basic and polar, with glutamic acid, which is acidic and polar, at codon 538 of the EGFR protein (p.Lys538Glu). This variant is not present in population databases (gnomAD no frequency). This variant has not been reported in the literature in individuals affected with EGFR-related conditions. ClinVar contains an entry for this variant (Variation ID: 1415641). Invitae Evidence Modeling of protein sequence and biophysical properties (such as structural, functional, and spatial information, amino acid conservation, physicochemical variation, residue mobility, and thermodynamic stability) indicates that this missense variant is not expected to disrupt EGFR protein function with a negative predictive value of 80%. In summary, the available evidence is currently insufficient to determine the role of this variant in disease. Therefore, it has been classified as a Variant of Uncertain Significance.